The following is an entry in ClinVar:

ClinVar aggregate classification (germline): Uncertain significance (1 of 4 stars; one submission).

Conditions:
Gray platelet syndrome (GPS). Also called: BLEEDING DISORDER, PLATELET-TYPE, 4. Identifiers: Orphanet 721, MedGen C0272302, MONDO:0007686, OMIM 139090.

Allele frequency attached by ClinVar (database versions not stated): gnomAD exomes below 0.00001; TOPMed below 0.00001.
gnomAD v4.1: 1 of 1,612,670 alleles (0.000062%); highest among the groups gnomAD compares: Non-Finnish European, 0.000085%; no homozygotes.

Submission:

NIHR Bioresource Rare Diseases, University of Cambridge
Classification: Uncertain significance for Gray platelet syndrome. Last evaluated: 2020-03-01. Review status: criteria provided, single submitter. Criteria: ACMG Guidelines, 2015. Collection method: research. Allele origin: unknown. Inheritance: Autosomal recessive inheritance. Affected: yes. Observed: 1 compound heterozygote.
Comment: ACMG criteria: PM2, PP3, PP4

Literature cited by the submitters: PubMed 32693407.

NM_015175.3(NBEAL2):c.2552C>T (p.Pro851Leu)

Gene: NBEAL2 (neurobeachin like 2; plus strand). Cytogenetic location: 3p21.31.
Variant type: single nucleotide variant.
Coding change: c.2552C>T on transcript NM_015175.3 (MANE Select); coding-DNA position 2552, C replaced by T.
Protein change: p.Pro851Leu; replaces proline 851 with leucine.
Molecular consequence: missense variant.
Genome position (GRCh38, 1-based): chr3:46,996,829, C>T. VCF-style: chr3-46996829-C-T. GRCh37 (hg19) VCF-style: chr3-47038319-C-T.
Other names: c.2450C>T, p.Pro817Leu (NM_001365116.2); short protein forms P817L, P851L.
Identifiers: ClinVar variation 982284 (VCV000982284.1), dbSNP rs1320075072, ClinGen allele CA352510417.
Genomic context (GRCh38, chr3:46,996,829, plus strand): 5'-CCTTCAAGCCTGAGGGGGAGCTGCATGAGCTCAGCACCAGGCTGCTCCTCCATTACTCAC[C>T]TCAGGTATTTGGGGGCCCCAGGGGAGTGGTTGGCTCGACTGTGCTACTTCCCCGGCTCCC-3'
Protein context (NP_055990.1, residues 841-861): LSTRLLLHYS[Pro851Leu]QACKNNICLD